The following is an entry in ClinVar:

NM_201384.3(PLEC):c.375C>T (p.Ile125=)

Gene: PLEC (plectin; minus strand). Cytogenetic location: 8q24.3.
Variant type: single nucleotide variant.
Coding change: c.375C>T on transcript NM_201384.3 (MANE Select); coding-DNA position 375, C replaced by T.
Protein change: p.Ile125=; no amino-acid change (isoleucine 125 retained).
Molecular consequence: synonymous variant.
Genome position (GRCh38, 1-based): chr8:143,937,039, G>A on the plus strand (C>T on the coding strand, the complement: PLEC is on the minus strand). VCF-style: chr8-143937039-G-A. GRCh37 (hg19) VCF-style: chr8-145011207-G-A.
Other names: c.456C>T (NM_000445.4); c.456C>T, p.Ile152= (NM_000445.5); c.333C>T, p.Ile111= (NM_201378.4); c.309C>T, p.Ile103= (NM_201379.3); c.786C>T, p.Ile262= (NM_201380.4); c.279C>T, p.Ile93= (NM_201381.3); c.375C>T, p.Ile125= (NM_201382.4); c.387C>T, p.Ile129= (NM_201383.3).
Identifiers: ClinVar variation 1668529 (VCV001668529.14), dbSNP rs781954209, ClinGen allele CA4928465.

ClinVar aggregate classification (germline): Likely benign. Review status: criteria provided, multiple submitters, no conflicts (2 of 4 stars). 4 submissions from 4 submitters: Likely benign (4). Last evaluated 2026-09-09.

Conditions:
PLEC-related disorder. Also called: PLEC-related disorders; PLEC-related condition.
Epidermolysis bullosa simplex 5B, with muscular dystrophy (EBS5B). Also called: EPIDERMOLYSIS BULLOSA SIMPLEX AND LIMB-GIRDLE MUSCULAR DYSTROPHY; Epidermolysis bullosa simplex with muscular dystrophy. Identifiers: Orphanet 257, MedGen C2931072, MONDO:0009181, OMIM 226670.
Epidermolysis bullosa simplex 5C, with pyloric atresia (EBS5C). Also called: PLEC-Related Epidermolysis Bullosa with Pyloric Atresia; Epidermolysis bullosa simplex with pyloric atresia; PLEC1-Related Epidermolysis Bullosa with Pyloric Atresia. Identifiers: Orphanet 158684, MedGen C2677349, MONDO:0012807, OMIM 612138.
Epidermolysis bullosa simplex with nail dystrophy (EBS5D). Identifiers: MedGen C4225309, MONDO:0014661, OMIM 616487.
Autosomal recessive limb-girdle muscular dystrophy type 2Q (LGMDR17). Also called: MUSCULAR DYSTROPHY, LIMB-GIRDLE, AUTOSOMAL RECESSIVE 17. Identifiers: Orphanet 254361, MedGen C3150989, MONDO:0013390, OMIM 613723.
Epidermolysis bullosa simplex, Ogna type (EBS5A). Also called: Pidermolysis bullosa simplex 5A, Ogna type; EPIDERMOLYSIS BULLOSA SIMPLEX 5A, OGNA TYPE. Identifiers: Orphanet 79401, MedGen C0432317, MONDO:0007555, OMIM 131950.

Allele frequency attached by ClinVar (database versions not stated): gnomAD exomes 0.00001; ExAC 0.00003.
gnomAD v4.1: 18 of 1,612,922 alleles (0.0011%); highest among the groups gnomAD compares: East Asian, 0.011%; no homozygotes.

Submissions (4):

PreventionGenetics, part of Exact Sciences
Classification: Likely benign for PLEC-related condition. Last evaluated: 2026-09-09. Review status: criteria provided, single submitter. Criteria: ACMG Guidelines, 2015. Collection method: clinical testing. Allele origin: germline.
Comment: This variant is classified as likely benign based on ACMG/AMP sequence variant interpretation guidelines (Richards et al. 2015 PMID: 25741868, with internal and published modifications).

CeGaT Center for Human Genetics Tuebingen
Classification: Likely benign. Last evaluated: 2026-01-01. Review status: criteria provided, single submitter. Criteria: CeGaT Center For Human Genetics Tuebingen Variant Classification Criteria Version 2. Collection method: clinical testing. Allele origin: germline. Affected: yes. Observed: 1 variant allele.
Comment: PLEC: BP4, BP7

Blueprint Genetics
Classification: Likely benign. Last evaluated: 2024-02-26. Review status: criteria provided, single submitter. Criteria: ACMG Guidelines, 2015. Collection method: clinical testing. Allele origin: germline.

Labcorp Genetics (formerly Invitae), Labcorp
Classification: Likely benign for Autosomal recessive limb-girdle muscular dystrophy type 2Q; Epidermolysis bullosa simplex, Ogna type; Epidermolysis bullosa simplex with nail dystrophy; Epidermolysis bullosa simplex 5C, with pyloric atresia; Epidermolysis bullosa simplex 5B, with muscular dystrophy. Last evaluated: 2021-05-07. Review status: criteria provided, single submitter. Criteria: Invitae Variant Classification Sherloc (09022015). Collection method: clinical testing. Allele origin: germline.